The following is an entry in ClinVar:

NM_000883.4(IMPDH1):c.*196C>T

Gene: IMPDH1 (inosine monophosphate dehydrogenase 1; minus strand). Cytogenetic location: 7q32.1.
Variant type: single nucleotide variant.
Coding change: c.*196C>T on transcript NM_000883.4 (MANE Select); 196 bases downstream of the stop codon, C replaced by T.
Molecular consequence: 3 prime UTR variant.
Genome position (GRCh38, 1-based): chr7:128,392,811, G>A on the plus strand (C>T on the coding strand, the complement: IMPDH1 is on the minus strand). VCF-style: chr7-128392811-G-A. GRCh37 (hg19) VCF-style: chr7-128032865-G-A.
Other names: c.*196C>T (NM_001102605.2, NM_001142573.2, NM_001142574.2 and 4 more transcripts).
Identifiers: ClinVar variation 909847 (VCV000909847.4), dbSNP rs72624974, ClinGen allele CA166119637.

ClinVar aggregate classification (germline): Conflicting classifications of pathogenicity. Review status: criteria provided, conflicting classifications (1 of 4 stars). 2 submissions from 1 submitter: Uncertain significance (1); Likely benign (1). Last evaluated 2018-01-13.

Conditions:
Retinitis pigmentosa (RP). Identifiers: Orphanet 791, MedGen C0035334, MeSH D012174, MONDO:0019200, OMIM 268000. Inheritance: Autosomal dominant, autosomal recessive and X linked inheritance.
Leber congenital amaurosis 11 (LCA11). Identifiers: Orphanet 65, MedGen C1840284, MONDO:0013454, OMIM 613837.

Allele frequency attached by ClinVar (database versions not stated): 1000 Genomes Project 30x 0.00031; 1000 Genomes Project 0.00040; TOPMed 0.00103; gnomAD 0.00106 and 0.00107; gnomAD exomes 0.00132.
gnomAD v4.1: 768 of 590,176 alleles (0.13%); highest among the groups gnomAD compares: Middle Eastern, 1.2%; 3 homozygotes.

Submissions (2):

Illumina Laboratory Services, Illumina
Classification: Likely benign for Retinitis pigmentosa. Last evaluated: 2018-01-13. Review status: criteria provided, single submitter. Criteria: ICSL Variant Classification Criteria 13 December 2019. Collection method: clinical testing. Allele origin: germline.
Comment: This variant was observed in the ICSL laboratory as part of a predisposition screen in an ostensibly healthy population. It had not been previously curated by ICSL or reported in the Human Gene Mutation Database (HGMD: prior to June 1st, 2018), and was therefore a candidate for classification through an automated scoring system. Utilizing variant allele frequency, disease prevalence and penetrance estimates, and inheritance mode, an automated score was calculated to assess if this variant is too frequent to cause the disease. Based on the score and internal cut-off values, a variant classified as likely benign is not then subjected to further curation. The score for this variant resulted in a classification of likely benign for this disease.

Illumina Laboratory Services, Illumina
Classification: Uncertain significance for Leber congenital amaurosis 11. Last evaluated: 2018-01-13. Review status: criteria provided, single submitter. Criteria: ICSL Variant Classification Criteria 13 December 2019. Collection method: clinical testing. Allele origin: germline.